The following is an entry in ClinVar:

NM_000368.5(TSC1):c.2389C>A (p.Gln797Lys)

Gene: TSC1 (TSC complex subunit 1; minus strand). Cytogenetic location: 9q34.13.
Variant type: single nucleotide variant.
Coding change: c.2389C>A on transcript NM_000368.5 (MANE Select); coding-DNA position 2389, C replaced by A.
Protein change: p.Gln797Lys; replaces glutamine 797 with lysine.
Molecular consequence: missense variant.
Genome position (GRCh38, 1-based): chr9:132,902,607, G>T on the plus strand (C>A on the coding strand, the complement: TSC1 is on the minus strand). VCF-style: chr9-132902607-G-T. GRCh37 (hg19) VCF-style: chr9-135777994-G-T.
Other names: c.2386C>A, p.Gln796Lys (NM_001162426.2); c.2236C>A, p.Gln746Lys (NM_001162427.2); c.2026C>A, p.Gln676Lys (NM_001362177.2); short protein forms Q797K, Q676K, Q796K, Q746K.
Identifiers: ClinVar variation 466076 (VCV000466076.11), dbSNP rs397514862, ClinGen allele CA375358996.

ClinVar aggregate classification (germline): Uncertain significance. Review status: criteria provided, multiple submitters, no conflicts (2 of 4 stars). 2 submissions from 2 submitters: Uncertain significance (2). Last evaluated 2025-10-05.

Conditions:
Tuberous sclerosis 1 (TSC1). Identifiers: Orphanet 805, MedGen C1854465, MONDO:0008612, OMIM 191100.
Hereditary cancer-predisposing syndrome. Also called: Hereditary neoplastic syndrome; Neoplastic Syndromes, Hereditary; Tumor predisposition; Hereditary Cancer Syndrome. Identifiers: Orphanet 140162, MedGen C0027672, MeSH D009386, MONDO:0015356.

Submissions (2):

Ambry Genetics
Classification: Uncertain significance for Hereditary cancer-predisposing syndrome. Last evaluated: 2025-10-05. Review status: criteria provided, single submitter. Criteria: Ambry Variant Classification Scheme 2023. Collection method: clinical testing. Allele origin: germline.
Comment: The p.Q797K variant (also known as c.2389C>A), located in coding exon 16 of the TSC1 gene, results from a C to A substitution at nucleotide position 2389. The glutamine at codon 797 is replaced by lysine, an amino acid with similar properties. This amino acid position is conserved. In addition, the in silico prediction for this alteration is inconclusive. Since supporting evidence is limited at this time, the clinical significance of this alteration remains unclear.

Labcorp Genetics (formerly Invitae), Labcorp
Classification: Uncertain significance for Tuberous sclerosis 1. Last evaluated: 2024-01-11. Review status: criteria provided, single submitter. Criteria: Invitae Variant Classification Sherloc (09022015). Collection method: clinical testing. Allele origin: germline.
Comment: This sequence change replaces glutamine, which is neutral and polar, with lysine, which is basic and polar, at codon 797 of the TSC1 protein (p.Gln797Lys). This variant is not present in population databases (gnomAD no frequency). This variant has not been reported in the literature in individuals affected with TSC1-related conditions. ClinVar contains an entry for this variant (Variation ID: 466076). An algorithm developed to predict the effect of missense changes on protein structure and function (PolyPhen-2) suggests that this variant is likely to be tolerated. In summary, the available evidence is currently insufficient to determine the role of this variant in disease. Therefore, it has been classified as a Variant of Uncertain Significance.